The following is an entry in ClinVar:

ClinVar aggregate classification (germline): Uncertain significance. Review status: criteria provided, multiple submitters, no conflicts (2 of 4 stars). 2 submissions from 2 submitters: Uncertain significance (2). Last evaluated 2024-11-24.

Conditions:
Inborn genetic diseases. Identifiers: MedGen C0950123, MeSH D030342.
Atypical glycine encephalopathy. Also called: Glycine encephalopathy with normal serum glycine. Identifiers: Orphanet 289863, MedGen C4310943, MONDO:0015010, OMIM 617301.

gnomAD v4.1: 18 of 1,614,044 alleles (0.0011%); highest among the groups gnomAD compares: East Asian, 0.0022%; no homozygotes.

Submissions (2):

Ambry Genetics
Classification: Uncertain significance for Inborn genetic diseases. Last evaluated: 2024-11-24. Review status: criteria provided, single submitter. Criteria: Ambry Variant Classification Scheme 2023. Collection method: clinical testing. Allele origin: germline.

Juno Genomics, Hangzhou Juno Genomics, Inc
Classification: Uncertain significance for Atypical glycine encephalopathy. Review status: criteria provided, single submitter. Criteria: ACMG Guidelines, 2015. Collection method: clinical testing. Allele origin: germline. Affected: yes.
Comment: Absent from controls (or at extremely low frequency if recessive) in Genome Aggregation Database, Exome Sequencing Project, 1000 Genomes Project, or Exome Aggregation Consortium.;Multiple lines of computational evidence support a deleterious effect on the gene or gene product (conservation, evolutionary, splicing impact, etc).

NM_001024845.3(SLC6A9):c.743C>T (p.Thr248Met)

Gene: SLC6A9 (solute carrier family 6 member 9; minus strand). Cytogenetic location: 1p34.1.
Variant type: single nucleotide variant.
Coding change: c.743C>T on transcript NM_001024845.3 (MANE Select); coding-DNA position 743, C replaced by T.
Protein change: p.Thr248Met; replaces threonine 248 with methionine.
Molecular consequence: missense variant. On other transcripts: non-coding transcript variant (1).
Genome position (GRCh38, 1-based): chr1:44,002,627, G>A on the plus strand (C>T on the coding strand, the complement: SLC6A9 is on the minus strand). VCF-style: chr1-44002627-G-A. GRCh37 (hg19) VCF-style: chr1-44468299-G-A.
Other names: c.962C>T (NM_201649.2); c.755C>T, p.Thr252Met (NM_001261380.2); c.410C>T, p.Thr137Met (NM_001328626.2, NM_001328630.2); c.680C>T, p.Thr227Met (NM_001328627.1); c.548C>T, p.Thr183Met (NM_001328628.1); c.743C>T, p.Thr248Met (NM_001328629.1); c.800C>T, p.Thr267Met (NM_006934.4); c.962C>T, p.Thr321Met (NM_201649.4); short protein forms T137M, T183M, T227M, T248M, T252M, T267M, T321M.
Identifiers: ClinVar variation 3383166 (VCV003383166.3).